The following is an entry in ClinVar:

NM_000755.5(CRAT):c.8C>T (p.Ala3Val)

Gene: CRAT (carnitine O-acetyltransferase; minus strand). Cytogenetic location: 9q34.11.
Variant type: single nucleotide variant.
Coding change: c.8C>T on transcript NM_000755.5 (MANE Select); coding-DNA position 8, C replaced by T.
Protein change: p.Ala3Val; replaces alanine 3 with valine.
Molecular consequence: missense variant. On other transcripts: 5 prime UTR variant (4).
Genome position (GRCh38, 1-based): chr9:129,110,502, G>A on the plus strand (C>T on the coding strand, the complement: CRAT is on the minus strand). VCF-style: chr9-129110502-G-A. GRCh37 (hg19) VCF-style: chr9-131872781-G-A.
Other names: c.-155C>T (NM_001257363.3, NM_001346548.2); c.-165C>T (NM_001346546.2); c.8C>T, p.Ala3Val (NM_001346547.2, NM_001346549.2); c.-435C>T (NM_004003.4); short protein forms A3V.
Identifiers: ClinVar variation 1968363 (VCV001968363.5), dbSNP rs2490852782, ClinGen allele CA375111246.

ClinVar aggregate classification (germline): Uncertain significance (1 of 4 stars; one submission).

Allele frequency attached by ClinVar (database versions not stated): gnomAD exomes below 0.00001.
gnomAD v4.1: 1 of 1,581,362 alleles (0.000063%); highest among the groups gnomAD compares: South Asian, 0.0011%; no homozygotes.

Submission:

Labcorp Genetics (formerly Invitae), Labcorp
Classification: Uncertain significance. Last evaluated: 2024-10-16. Review status: criteria provided, single submitter. Criteria: Invitae Variant Classification Sherloc (09022015). Collection method: clinical testing. Allele origin: germline.
Comment: This sequence change replaces alanine, which is neutral and non-polar, with valine, which is neutral and non-polar, at codon 3 of the CRAT protein (p.Ala3Val). This variant is not present in population databases (gnomAD no frequency). This variant has not been reported in the literature in individuals affected with CRAT-related conditions. ClinVar contains an entry for this variant (Variation ID: 1968363). An algorithm developed to predict the effect of missense changes on protein structure and function (PolyPhen-2) suggests that this variant is likely to be tolerated. In summary, the available evidence is currently insufficient to determine the role of this variant in disease. Therefore, it has been classified as a Variant of Uncertain Significance.